The following is an entry in ClinVar:

NM_003119.4(SPG7):c.1A>T (p.Met1Leu)

Genes: SPG7 (SPG7 matrix AAA peptidase subunit, paraplegin; plus strand), LOC130059818 (ATAC-STARR-seq lymphoblastoid silent region 7911; plus strand). Cytogenetic location: 16q24.3.
Variant type: single nucleotide variant.
Coding change: c.1A>T on transcript NM_003119.4 (MANE Select); coding-DNA position 1, A replaced by T.
Protein change: p.Met1Leu; changes the start codon (methionine 1).
Molecular consequence: missense variant, initiator codon variant.
Genome position (GRCh38, 1-based): chr16:89,508,418, A>T. VCF-style: chr16-89508418-A-T. GRCh37 (hg19) VCF-style: chr16-89574826-A-T.
Other names: c.1A>T, p.Met1Leu (NM_001363850.1, NM_199367.3); short protein forms M1L.
Identifiers: ClinVar variation 3242475 (VCV003242475.1).

ClinVar aggregate classification (germline): Likely pathogenic (1 of 4 stars; one submission).

Conditions:
Hereditary spastic paraplegia 7 (SPG7). Also called: Autosomal recessive spastic paraplegia type 7; SPASTIC PARAPLEGIA 7, AUTOSOMAL RECESSIVE, WITH OR WITHOUT CEREBELLAR ATAXIA; Spastic paraplegia 7; Hereditary spastic paraplegia Paraplegin type; SPG7-related neurologic disorder. Identifiers: Orphanet 99013, MedGen C1846564, MONDO:0011803, OMIM 607259.

Submission:

PROSPAX: an integrated multimodal progression  chart in spastic ataxias, Center for Neurology; Hertie-Institute for Clinical Brain Research
Classification: Likely pathogenic for Hereditary spastic paraplegia 7. Last evaluated: 2022-01-01. Review status: criteria provided, single submitter. Criteria: ACMG Guidelines, 2015. Collection method: research. Allele origin: germline. Affected: yes.
Comment: Variant seen in compound het: [c.1529C>T;c.1A>T]